The following is an entry in ClinVar:

ClinVar aggregate classification (germline): Uncertain significance. Review status: criteria provided, multiple submitters, no conflicts (2 of 4 stars). 4 submissions from 4 submitters: Uncertain significance (4). Last evaluated 2025-10-27.

Conditions:
LRRK2-related disorder. Also called: LRRK2-related condition.
Autosomal dominant Parkinson disease 8. Also called: Parkinson disease 8, susceptibility to; LRRK2-Related Parkinson Disease; Parkinson disease 8. Identifiers: Orphanet 411602, MedGen C1846862, MONDO:0011764, OMIM 607060.

Allele frequency attached by ClinVar (database versions not stated): TOPMed 0.00007; gnomAD exomes 0.00010; ExAC 0.00012; gnomAD 0.00012 and 0.00013; 1000 Genomes Project 30x 0.00016; 1000 Genomes Project 0.00020; ESP Exome Variant Server 0.00031.
gnomAD v4.1: 151 of 1,613,608 alleles (0.0094%); highest among the groups gnomAD compares: Admixed American, 0.015%; no homozygotes.

Submissions (4):

PreventionGenetics, part of Exact Sciences
Classification: Uncertain significance for LRRK2-related condition. Last evaluated: 2025-10-27. Review status: criteria provided, single submitter. Criteria: ACMG Guidelines, 2015. Collection method: clinical testing. Allele origin: germline.
Comment: The LRRK2 c.3643G>A variant is predicted to result in the amino acid substitution p.Ala1215Thr. This variant was reported in an individual with Parkinson disease (Bandrés-Ciga et al. 2016. PubMed ID: 27393345). This variant is reported in 0.020% of alleles in individuals of Latino descent in gnomAD. At this time, the clinical significance of this variant is uncertain due to the absence of conclusive functional and genetic evidence.

Labcorp Genetics (formerly Invitae), Labcorp
Classification: Uncertain significance for Autosomal dominant Parkinson disease 8. Last evaluated: 2025-07-27. Review status: criteria provided, single submitter. Criteria: Invitae Variant Classification Sherloc (09022015). Collection method: clinical testing. Allele origin: germline.
Comment: This sequence change replaces alanine, which is neutral and non-polar, with threonine, which is neutral and polar, at codon 1215 of the LRRK2 protein (p.Ala1215Thr). This variant is present in population databases (rs143710836, gnomAD 0.02%), and has an allele count higher than expected for a pathogenic variant. This missense change has been observed in individual(s) with Parkinson disease (PMID: 27393345). ClinVar contains an entry for this variant (Variation ID: 444287). Invitae Evidence Modeling of protein sequence and biophysical properties (such as structural, functional, and spatial information, amino acid conservation, physicochemical variation, residue mobility, and thermodynamic stability) has been performed for this missense variant. However, the output from this modeling did not meet the statistical confidence thresholds required to predict the impact of this variant on LRRK2 protein function. In summary, the available evidence is currently insufficient to determine the role of this variant in disease. Therefore, it has been classified as a Variant of Uncertain Significance.

Fulgent Genetics
Classification: Uncertain significance for Autosomal dominant Parkinson disease 8. Last evaluated: 2022-04-08. Review status: criteria provided, single submitter. Criteria: ACMG Guidelines, 2015. Collection method: clinical testing. Allele origin: unknown.

CeGaT Center for Human Genetics Tuebingen
Classification: Uncertain significance. Last evaluated: 2018-03-01. Review status: criteria provided, single submitter. Criteria: CeGaT Center For Human Genetics Tuebingen Variant Classification Criteria Version 2. Collection method: clinical testing. Allele origin: germline. Affected: yes. Observed: 1 variant allele.

Literature cited by the submitters: PubMed 27393345 (cited by Labcorp Genetics (formerly Invitae), Labcorp).

NM_198578.4(LRRK2):c.3643G>A (p.Ala1215Thr)

Gene: LRRK2 (leucine rich repeat kinase 2; plus strand). Cytogenetic location: 12q12.
Variant type: single nucleotide variant.
Coding change: c.3643G>A on transcript NM_198578.4 (MANE Select); coding-DNA position 3643, G replaced by A.
Protein change: p.Ala1215Thr; replaces alanine 1215 with threonine.
Molecular consequence: missense variant.
Genome position (GRCh38, 1-based): chr12:40,304,000, G>A. VCF-style: chr12-40304000-G-A. GRCh37 (hg19) VCF-style: chr12-40697802-G-A.
Other names: short protein forms A1215T.
Identifiers: ClinVar variation 444287 (VCV000444287.50), dbSNP rs143710836, ClinGen allele CA6513971.